The following is an entry in ClinVar:

ClinVar aggregate classification (germline): Uncertain significance (1 of 4 stars; one submission).

gnomAD v4.1: 2 of 1,613,638 alleles (0.00012%); highest among the groups gnomAD compares: South Asian, 0.0022%; no homozygotes.

Submission:

Labcorp Genetics (formerly Invitae), Labcorp
Classification: Uncertain significance. Last evaluated: 2025-03-31. Review status: criteria provided, single submitter. Criteria: Invitae Variant Classification Sherloc (09022015). Collection method: clinical testing. Allele origin: germline.
Comment: This sequence change replaces methionine, which is neutral and non-polar, with threonine, which is neutral and polar, at codon 354 of the ARPC1B protein (p.Met354Thr). This variant is present in population databases (no rsID available, gnomAD 0.006%). This variant has not been reported in the literature in individuals affected with ARPC1B-related conditions. Invitae Evidence Modeling of protein sequence and biophysical properties (such as structural, functional, and spatial information, amino acid conservation, physicochemical variation, residue mobility, and thermodynamic stability) has been performed for this missense variant. However, the output from this modeling did not meet the statistical confidence thresholds required to predict the impact of this variant on ARPC1B protein function. In summary, the available evidence is currently insufficient to determine the role of this variant in disease. Therefore, it has been classified as a Variant of Uncertain Significance.

NM_005720.4(ARPC1B):c.1061T>C (p.Met354Thr)

Gene: ARPC1B (actin related protein 2/3 complex subunit 1B; plus strand). Cytogenetic location: 7q22.1.
Variant type: single nucleotide variant.
Coding change: c.1061T>C on transcript NM_005720.4 (MANE Select); coding-DNA position 1061, T replaced by C.
Protein change: p.Met354Thr; replaces methionine 354 with threonine.
Molecular consequence: missense variant.
Genome position (GRCh38, 1-based): chr7:99,394,100, T>C. VCF-style: chr7-99394100-T-C. GRCh37 (hg19) VCF-style: chr7-98991723-T-C.
Other names: short protein forms M354T.
Identifiers: ClinVar variation 3603957 (VCV003603957.2).